The following is an entry in ClinVar:

NM_003382.5(VIPR2):c.1251C>T (p.Gly417=)

Gene: VIPR2 (vasoactive intestinal peptide receptor 2; minus strand). Cytogenetic location: 7q36.3.
Variant type: single nucleotide variant.
Coding change: c.1251C>T on transcript NM_003382.5 (MANE Select); coding-DNA position 1251, C replaced by T.
Protein change: p.Gly417=; no amino-acid change (glycine 417 retained).
Molecular consequence: synonymous variant. On other transcripts: non-coding transcript variant (1).
Genome position (GRCh38, 1-based): chr7:159,030,682, G>A on the plus strand (C>T on the coding strand, the complement: VIPR2 is on the minus strand). VCF-style: chr7-159030682-G-A. GRCh37 (hg19) VCF-style: chr7-158823373-G-A.
Other names: c.1011C>T, p.Gly337= (NM_001304522.2); c.1203C>T, p.Gly401= (NM_001308259.1).
Identifiers: ClinVar variation 3771762 (VCV003771762.13).

ClinVar aggregate classification (germline): Likely benign (1 of 4 stars; one submission).

gnomAD v4.1: 16 of 1,569,896 alleles (0.001%); highest among the groups gnomAD compares: South Asian, 0.0058%; 1 homozygote.

Submission:

CeGaT Center for Human Genetics Tuebingen
Classification: Likely benign. Last evaluated: 2025-01-01. Review status: criteria provided, single submitter. Criteria: CeGaT Center For Human Genetics Tuebingen Variant Classification Criteria Version 2. Collection method: clinical testing. Allele origin: germline. Affected: yes. Observed: 1 variant allele.
Comment: VIPR2: BP4, BP7